The following is an entry in ClinVar:

NM_004260.4(RECQL4):c.1442T>G (p.Phe481Cys)

Gene: RECQL4 (RecQ like helicase 4; minus strand). Cytogenetic location: 8q24.3.
Variant type: single nucleotide variant.
Coding change: c.1442T>G on transcript NM_004260.4 (MANE Select); coding-DNA position 1442, T replaced by G.
Protein change: p.Phe481Cys; replaces phenylalanine 481 with cysteine.
Molecular consequence: missense variant.
Genome position (GRCh38, 1-based): chr8:144,515,191, A>C on the plus strand (T>G on the coding strand, the complement: RECQL4 is on the minus strand). VCF-style: chr8-144515191-A-C. GRCh37 (hg19) VCF-style: chr8-145740575-A-C.
Other names: short protein forms F481C.
Identifiers: ClinVar variation 650861 (VCV000650861.5), dbSNP rs1586816237, ClinGen allele CA372684763.

ClinVar aggregate classification (germline): Uncertain significance (1 of 4 stars; one submission).

Conditions:
Baller-Gerold syndrome (BGS). Also called: CRANIOSYNOSTOSIS WITH RADIAL DEFECTS. Identifiers: Orphanet 1225, MedGen C0265308, MONDO:0009039, OMIM 218600.

Allele frequency attached by ClinVar (database versions not stated): gnomAD exomes 0.00001.
gnomAD v4.1: 12 of 1,569,020 alleles (0.00076%); highest among the groups gnomAD compares: Non-Finnish European, 0.001%; no homozygotes.

Submission:

Labcorp Genetics (formerly Invitae), Labcorp
Classification: Uncertain significance for Baller-Gerold syndrome. Last evaluated: 2024-11-12. Review status: criteria provided, single submitter. Criteria: Invitae Variant Classification Sherloc (09022015). Collection method: clinical testing. Allele origin: germline.
Comment: This sequence change replaces phenylalanine, which is neutral and non-polar, with cysteine, which is neutral and slightly polar, at codon 481 of the RECQL4 protein (p.Phe481Cys). This variant is not present in population databases (gnomAD no frequency). This missense change has been observed in individual(s) with Rothmund-Thomson syndrome type 2 (internal data). In at least one individual the data is consistent with being in trans (on the opposite chromosome) from a pathogenic variant. ClinVar contains an entry for this variant (Variation ID: 650861). Invitae Evidence Modeling of protein sequence and biophysical properties (such as structural, functional, and spatial information, amino acid conservation, physicochemical variation, residue mobility, and thermodynamic stability) indicates that this missense variant is expected to disrupt RECQL4 protein function with a positive predictive value of 80%. In summary, the available evidence is currently insufficient to determine the role of this variant in disease. Therefore, it has been classified as a Variant of Uncertain Significance.